The following is an entry in ClinVar:

NM_001353921.2(ARHGEF9):c.499A>G (p.Met167Val)

Gene: ARHGEF9 (Cdc42 guanine nucleotide exchange factor 9; minus strand). Cytogenetic location: Xq11.1.
Variant type: single nucleotide variant.
Coding change: c.499A>G on transcript NM_001353921.2 (MANE Select); coding-DNA position 499, A replaced by G.
Protein change: p.Met167Val; replaces methionine 167 with valine.
Molecular consequence: missense variant.
Genome position (GRCh38, 1-based): chrX:63,697,208, T>C on the plus strand (A>G on the coding strand, the complement: ARHGEF9 is on the minus strand). VCF-style: chrX-63697208-T-C. GRCh37 (hg19) VCF-style: chrX-62917088-T-C.
Other names: c.319A>G, p.Met107Val (NM_001173479.2); c.172A>G, p.Met58Val (NM_001173480.2, NM_001369042.1); c.415A>G, p.Met139Val (NM_001330495.2, NM_001353927.2, NM_001369033.1 and 8 more transcripts); c.499A>G, p.Met167Val (NM_001353922.2); c.517A>G, p.Met173Val (NM_001353923.1); c.298A>G, p.Met100Val (NM_001353924.2, NM_001353926.2, NM_001369039.1 and 1 more transcripts); c.478A>G, p.Met160Val (NM_001353928.2, NM_001369030.1, NM_001369031.1 and 2 more transcripts); c.64A>G, p.Met22Val (NM_001369045.1); short protein forms M100V, M107V, M139V, M160V, M167V, M173V, M22V, M58V.
Identifiers: ClinVar variation 1059142 (VCV001059142.11), dbSNP rs2147450532, ClinGen allele CA413407012.

ClinVar aggregate classification (germline): Uncertain significance. Review status: criteria provided, multiple submitters, no conflicts (2 of 4 stars). 2 submissions from 2 submitters: Uncertain significance (2). Last evaluated 2022-12-02.

Conditions:
Developmental and epileptic encephalopathy, 8 (DEE8). Also called: HYPEREKPLEXIA AND EPILEPSY. Identifiers: Orphanet 163985, Orphanet 2076, MedGen C1845102, MONDO:0010375, OMIM 300607.

Allele frequency attached by ClinVar (database versions not stated): gnomAD exomes below 0.00001.

Submissions (3):

Labcorp Genetics (formerly Invitae), Labcorp
Classification: Uncertain significance for Developmental and epileptic encephalopathy, 8. Last evaluated: 2022-12-02. Review status: criteria provided, single submitter. Criteria: Invitae Variant Classification Sherloc (09022015). Collection method: clinical testing. Allele origin: germline.
Comment: In summary, the available evidence is currently insufficient to determine the role of this variant in disease. Therefore, it has been classified as a Variant of Uncertain Significance. Advanced modeling of protein sequence and biophysical properties (such as structural, functional, and spatial information, amino acid conservation, physicochemical variation, residue mobility, and thermodynamic stability) has been performed at Invitae for this missense variant, however the output from this modeling did not meet the statistical confidence thresholds required to predict the impact of this variant on ARHGEF9 protein function. ClinVar contains an entry for this variant (Variation ID: 1059142). This variant has not been reported in the literature in individuals affected with ARHGEF9-related conditions. This variant is not present in population databases (gnomAD no frequency). This sequence change replaces methionine, which is neutral and non-polar, with valine, which is neutral and non-polar, at codon 160 of the ARHGEF9 protein (p.Met160Val).

GeneDx
Classification: Uncertain significance. Last evaluated: 2022-05-19. Review status: criteria provided, single submitter. Criteria: GeneDx Variant Classification Process June 2021. Collection method: clinical testing. Allele origin: germline. Affected: yes.
Comment: Not observed at significant frequency in large population cohorts (gnomAD); In silico analysis supports that this missense variant does not alter protein structure/function; Has not been previously published as pathogenic or benign to our knowledge

Dr. Peter K. Rogan Lab, Western University
No classification provided (evidence only). Condition: Nonpapillary renal cell carcinoma. Review status: no classification provided. Collection method: in vitro. Allele origin: not applicable. Functional consequence: retained intron. Not counted in ClinVar's aggregate classification.